The following is an entry in ClinVar:

NM_015978.3(TNNI3K):c.1928C>T (p.Thr643Ile)

Genes: FPGT-TNNI3K (FPGT-TNNI3K readthrough; plus strand), TNNI3K (TNNI3 interacting kinase; plus strand). Cytogenetic location: 1p31.1.
Variant type: single nucleotide variant.
Coding change: c.1928C>T on transcript NM_015978.3 (MANE Select); coding-DNA position 1928, C replaced by T.
Protein change: p.Thr643Ile; replaces threonine 643 with isoleucine.
Molecular consequence: missense variant.
Genome position (GRCh38, 1-based): chr1:74,439,539, C>T. VCF-style: chr1-74439539-C-T. GRCh37 (hg19) VCF-style: chr1-74905223-C-T.
Other names: c.2231C>T, p.Thr744Ile (NM_001112808.3, NM_001199327.2); short protein forms T744I, T643I.
Identifiers: ClinVar variation 1969756 (VCV001969756.5), dbSNP rs2524734253, ClinGen allele CA340789775.

ClinVar aggregate classification (germline): Uncertain significance (1 of 4 stars; one submission).

Submission:

Labcorp Genetics (formerly Invitae), Labcorp
Classification: Uncertain significance. Last evaluated: 2022-03-20. Review status: criteria provided, single submitter. Criteria: Invitae Variant Classification Sherloc (09022015). Collection method: clinical testing. Allele origin: germline.
Comment: In summary, the available evidence is currently insufficient to determine the role of this variant in disease. Therefore, it has been classified as a Variant of Uncertain Significance. Algorithms developed to predict the effect of missense changes on protein structure and function are either unavailable or do not agree on the potential impact of this missense change (SIFT: "Deleterious"; PolyPhen-2: "Benign"; Align-GVGD: "Class C15"). This sequence change replaces threonine, which is neutral and polar, with isoleucine, which is neutral and non-polar, at codon 643 of the TNNI3K protein (p.Thr643Ile). This variant is not present in population databases (gnomAD no frequency). This variant has not been reported in the literature in individuals affected with TNNI3K-related conditions.